The following is an entry in ClinVar:

NM_004525.3(LRP2):c.11663G>A (p.Arg3888His)

Gene: LRP2 (LDL receptor related protein 2; minus strand). Cytogenetic location: 2q31.1.
Variant type: single nucleotide variant.
Coding change: c.11663G>A on transcript NM_004525.3 (MANE Select); coding-DNA position 11663, G replaced by A.
Protein change: p.Arg3888His; replaces arginine 3888 with histidine.
Molecular consequence: missense variant.
Genome position (GRCh38, 1-based): chr2:169,166,027, C>T on the plus strand (G>A on the coding strand, the complement: LRP2 is on the minus strand). VCF-style: chr2-169166027-C-T. GRCh37 (hg19) VCF-style: chr2-170022537-C-T.
Other names: short protein forms R3888H.
Identifiers: ClinVar variation 332089 (VCV000332089.45), dbSNP rs77686710, ClinGen allele CA1952997.

ClinVar aggregate classification (germline): Conflicting classifications of pathogenicity. Review status: criteria provided, conflicting classifications (1 of 4 stars). 6 submissions from 6 submitters: Uncertain significance (2); Likely benign (4). Last evaluated 2026-03-05.

Conditions:
Donnai-Barrow syndrome. Also called: DBS/FOAR SYNDROME; FACIOOCULOACOUSTICORENAL SYNDROME. Identifiers: Orphanet 2143, MedGen C1857277, MONDO:0009104, OMIM 222448.

Allele frequency attached by ClinVar (database versions not stated): gnomAD exomes 0.00043 and 0.00080; ExAC 0.00098; gnomAD 0.00208 and 0.00218; TOPMed 0.00247; 1000 Genomes Project 0.00319; 1000 Genomes Project 30x 0.00344; ESP Exome Variant Server 0.00354.
gnomAD v4.1: 976 of 1,613,958 alleles (0.06%); highest among the groups gnomAD compares: African/African-American, 0.7%; 2 homozygotes.

Submissions (6):

GeneDx
Classification: Uncertain significance. Last evaluated: 2026-03-05. Review status: criteria provided, single submitter. Criteria: GeneDx Variant Classification Process June 2021. Collection method: clinical testing. Allele origin: germline.
Comment: Reported in a patient with intellectual disability, seizures, and hypoplasia of the corpus callosum in published literature (PMID: 25533962); In silico analysis supports that this missense variant has a deleterious effect on protein structure/function; This variant is associated with the following publications: (PMID: 33006316, 25533962)

Labcorp Genetics (formerly Invitae), Labcorp
Classification: Likely benign. Last evaluated: 2026-02-02. Review status: criteria provided, single submitter. Criteria: Invitae Variant Classification Sherloc (09022015). Collection method: clinical testing. Allele origin: germline.

CeGaT Center for Human Genetics Tuebingen
Classification: Likely benign. Last evaluated: 2025-10-01. Review status: criteria provided, single submitter. Criteria: CeGaT Center For Human Genetics Tuebingen Variant Classification Criteria Version 2. Collection method: clinical testing. Allele origin: germline. Affected: yes. Observed: 5 variant alleles.
Comment: LRP2: BP4

Blueprint Genetics
Classification: Likely benign. Last evaluated: 2024-11-13. Review status: criteria provided, single submitter. Criteria: ACMG Guidelines, 2015. Collection method: clinical testing. Allele origin: germline.

New York Genome Center
Classification: Uncertain significance for Donnai-Barrow syndrome. Last evaluated: 2021-12-22. Review status: criteria provided, single submitter. Criteria: NYGC Assertion Criteria 2020. Collection method: clinical testing. Allele origin: germline. Observed: 1 heterozygote. Study: CSER-NYCKidSeq.

Illumina Laboratory Services, Illumina
Classification: Likely benign for Donnai-Barrow syndrome. Last evaluated: 2018-01-13. Review status: criteria provided, single submitter. Criteria: ICSL Variant Classification Criteria 13 December 2019. Collection method: clinical testing. Allele origin: germline.
Comment: This variant was observed in the ICSL laboratory as part of a predisposition screen in an ostensibly healthy population. It had not been previously curated by ICSL or reported in the Human Gene Mutation Database (HGMD: prior to June 1st, 2018), and was therefore a candidate for classification through an automated scoring system. Utilizing variant allele frequency, disease prevalence and penetrance estimates, and inheritance mode, an automated score was calculated to assess if this variant is too frequent to cause the disease. Based on the score and internal cut-off values, a variant classified as likely benign is not then subjected to further curation. The score for this variant resulted in a classification of likely benign for this disease.